The following is an entry in ClinVar:

ClinVar aggregate classification (germline): Conflicting classifications of pathogenicity. Review status: criteria provided, conflicting classifications (1 of 4 stars). 5 submissions from 5 submitters: Pathogenic (1); Likely pathogenic (2); Uncertain significance (1). 1 of the submissions does not count toward it. Last evaluated 2026-01-02.

Conditions:
DGUOK-related disorder. Also called: DGUOK-related condition.
Progressive external ophthalmoplegia with mitochondrial DNA deletions, autosomal recessive 4. Also called: Adult-onset multiple mitochondrial DNA deletion syndrome due to DGUOK deficiency; PROGRESSIVE EXTERNAL OPHTHALMOPLEGIA, AUTOSOMAL RECESSIVE 4. Identifiers: Orphanet 329314, MedGen C4310733, MONDO:0014899, OMIM 617070.

Allele frequency attached by ClinVar (database versions not stated): gnomAD exomes below 0.00001; gnomAD 0.00003; TOPMed 0.00005; 1000 Genomes Project 30x 0.00016; 1000 Genomes Project 0.00020.
gnomAD v4.1: 9 of 1,614,126 alleles (0.00056%); highest among the groups gnomAD compares: Admixed American, 0.0067%; no homozygotes.

Submissions (5):

Labcorp Genetics (formerly Invitae), Labcorp
Classification: Uncertain significance. Last evaluated: 2026-01-02. Review status: criteria provided, single submitter. Criteria: Invitae Variant Classification Sherloc (09022015). Collection method: clinical testing. Allele origin: germline.
Comment: This sequence change falls in intron 3 of the DGUOK gene. It does not directly change the encoded amino acid sequence of the DGUOK protein. This variant is not present in population databases (gnomAD no frequency). This variant has been observed in individual(s) with mitochondrial DNA depletion syndrome (PMID: 18205204, 23043144). In at least one individual the data is consistent with being in trans (on the opposite chromosome) from a pathogenic variant. ClinVar contains an entry for this variant (Variation ID: 253069). Studies have shown that this variant alters DGUOK gene expression (PMID: 23043144). Algorithms developed to predict the effect of sequence changes on RNA splicing suggest that this variant may disrupt the consensus splice site. In summary, the available evidence is currently insufficient to determine the role of this variant in disease. Therefore, it has been classified as a Variant of Uncertain Significance.

PreventionGenetics, part of Exact Sciences
Classification: Likely pathogenic for DGUOK-related condition. Last evaluated: 2025-12-31. Review status: criteria provided, single submitter. Criteria: ACMG Guidelines, 2015. Collection method: clinical testing. Allele origin: germline.
Comment: The DGUOK c.444-11C>G variant is predicted to interfere with splicing. This variant has been reported in the compound heterozygous state in an individual with Mitochondrial DNA depletion syndrome (Dimmock et al. 2008. PubMed ID: 18205204). It was also reported in two adult siblings with dysphonia, dysphagia, deafness, and cortical atrophy (Ronchi et al. 2012. PubMed ID: 23043144). In vitro studies showed absence of DGUOK messenger RNA from the c.411-11C>G allele in one sibling and DGUOK activity was greatly reduced in muscle tissue of the second sibling (Ronchi et al. 2012. PubMed ID: 23043144). This variant has not been reported in a large population database (gnomAD), indicating this variant is rare. This variant is interpreted as likely pathogenic.

GeneDx
Classification: Pathogenic. Last evaluated: 2024-08-18. Review status: criteria provided, single submitter. Criteria: GeneDx Variant Classification Process June 2021. Collection method: clinical testing. Allele origin: germline. Affected: yes.
Comment: Non-canonical splice site variant demonstrated to result in loss of function (PMID: 23043144); Not observed at significant frequency in large population cohorts (gnomAD); This variant is associated with the following publications: (PMID: 19748572, 31589614, 18205204, 23043144)

Eurofins Ntd Llc (ga)
Classification: Likely pathogenic. Last evaluated: 2018-05-07. Review status: criteria provided, single submitter. Criteria: EGL ClinVar v180209 classification definitions. Collection method: clinical testing. Allele origin: germline. Observed: 1 variant allele, 1 heterozygote.

OMIM
Classification: Pathogenic for PROGRESSIVE EXTERNAL OPHTHALMOPLEGIA WITH MITOCHONDRIAL DNA DELETIONS, AUTOSOMAL RECESSIVE 4. Last evaluated: 2016-08-18. Review status: no assertion criteria provided. Collection method: literature only. Allele origin: germline. Not counted in ClinVar's aggregate classification.

Literature cited by the submitters: PubMed 18205204 (cited by Labcorp Genetics (formerly Invitae), Labcorp and Eurofins Ntd Llc (ga)); PubMed 23043144 (cited by 3 submitters).

NM_080916.3(DGUOK):c.444-11C>G

Gene: DGUOK (deoxyguanosine kinase; plus strand). Cytogenetic location: 2p13.1.
Variant type: single nucleotide variant.
Coding change: c.444-11C>G on transcript NM_080916.3 (MANE Select); 11 bases into the intron before coding-DNA position 444, C replaced by G.
Molecular consequence: intron variant.
Genome position (GRCh38, 1-based): chr2:73,950,574, C>G. VCF-style: chr2-73950574-C-G. GRCh37 (hg19) VCF-style: chr2-74177701-C-G.
Other names: IVS3AS, C-G, -11; c.153-11C>G (NM_001318861.2, NM_001318860.2); c.135-11C>G (NM_001318862.2, NM_001318863.2); c.443+3668C>G (NM_080918.3); c.425+3686C>G (NM_001318859.2).
Identifiers: ClinVar variation 253069 (VCV000253069.11), dbSNP rs536746349, ClinGen allele CA10586179.
Genomic context (GRCh38, chr2:73,950,574, plus strand): 5'-TCTCTCTCTCGTGCCTTTCATTCCATTTCCCATTCTCCTGCCCTCCCCATTCCCATCCCA[C>G]TTCCAACCAGGTATATCTTTGCAAAGAATCTTTTTGAAAATGGTTCCCTCAGTGACATCG-3'